The following is an entry in ClinVar:

NM_001330691.3(CEP78):c.1206-2A>G

Gene: CEP78 (centrosomal protein 78; plus strand). Cytogenetic location: 9q21.2.
Variant type: single nucleotide variant.
Coding change: c.1206-2A>G on transcript NM_001330691.3 (MANE Select); the canonical splice acceptor site of the intron before coding-DNA position 1206, A replaced by G.
Molecular consequence: splice acceptor variant.
Genome position (GRCh38, 1-based): chr9:78,253,230, A>G. VCF-style: chr9-78253230-A-G. GRCh37 (hg19) VCF-style: chr9-80868146-A-G.
Other names: c.1209-2A>G (NM_001349839.2, NM_001349840.2, NM_001098802.3 and 1 more transcripts); c.1206-2A>G (NM_001330693.3, NM_001349838.2, NM_001330694.2).
Identifiers: ClinVar variation 3011462 (VCV003011462.4), dbSNP rs778035330, ClinGen allele CA373860068.

ClinVar aggregate classification (germline): Pathogenic/Likely pathogenic. Review status: criteria provided, multiple submitters, no conflicts (2 of 4 stars). 2 submissions from 2 submitters: Pathogenic (1); Likely pathogenic (1). Last evaluated 2023-08-03.

Conditions:
CEP78-related disorder. Also called: CEP78-related condition.

gnomAD v4.1: 8 of 1,279,110 alleles (0.00063%); highest among the groups gnomAD compares: Non-Finnish European, 0.0009%; no homozygotes.

Submissions (2):

Labcorp Genetics (formerly Invitae), Labcorp
Classification: Pathogenic. Last evaluated: 2023-08-03. Review status: criteria provided, single submitter. Criteria: Invitae Variant Classification Sherloc (09022015). Collection method: clinical testing. Allele origin: germline.
Comment: This sequence change affects an acceptor splice site in intron 9 of the CEP78 gene. RNA analysis indicates that disruption of this splice site induces altered splicing and may result in an absent or disrupted protein product. This variant is not present in population databases (gnomAD no frequency). Disruption of this splice site has been observed in individual(s) with cone-rod dystrophy (PMID: 33968938). In at least one individual the data is consistent with being in trans (on the opposite chromosome) from a pathogenic variant. Studies have shown that disruption of this splice site results in skipping of exon 10 and introduces a premature termination codon (PMID: 33968938). The resulting mRNA is expected to undergo nonsense-mediated decay. For these reasons, this variant has been classified as Pathogenic.

Blueprint Genetics
Classification: Likely pathogenic for CEP78-related disorders. Last evaluated: 2022-09-29. Review status: criteria provided, single submitter. Criteria: ACMG Guidelines, 2015. Collection method: clinical testing. Allele origin: germline. Affected: yes. Observed: 3 variant alleles.

Literature cited by the submitters: PubMed 33968938 (cited by Labcorp Genetics (formerly Invitae), Labcorp).